The following is an entry in ClinVar:

ClinVar aggregate classification (germline): Likely benign. Review status: criteria provided, multiple submitters, no conflicts (2 of 4 stars). 2 submissions from 2 submitters: Likely benign (2). Last evaluated 2023-03-23.

Conditions:
Hereditary cancer-predisposing syndrome. Also called: Neoplastic Syndromes, Hereditary; Tumor predisposition; Hereditary Cancer Syndrome; Hereditary neoplastic syndrome. Identifiers: Orphanet 140162, MedGen C0027672, MeSH D009386, MONDO:0015356.

Submissions (2):

University of Washington Department of Laboratory Medicine, University of Washington
Classification: Likely benign for Hereditary cancer-predisposing syndrome. Last evaluated: 2023-03-23. Review status: criteria provided, single submitter. Criteria: Dines et al. (Genet Med. 2020). Collection method: curation. Allele origin: germline.
Comment: Missense variant in a coldspot region where missense variants are very unlikely to be pathogenic (PMID:31911673).

BRCA2 exon 11 coldspot. Reclassification based on statistical prior probability.

Ambry Genetics
Classification: Likely benign for Hereditary cancer-predisposing syndrome. Last evaluated: 2020-03-18. Review status: criteria provided, single submitter. Criteria: Ambry Variant Classification Scheme 2023. Collection method: clinical testing. Allele origin: germline.

NM_000059.4(BRCA2):c.6826C>G (p.Pro2276Ala)

Gene: BRCA2 (BRCA2 DNA repair associated; plus strand). Cytogenetic location: 13q13.1.
Variant type: single nucleotide variant.
Coding change: c.6826C>G on transcript NM_000059.4 (MANE Select); coding-DNA position 6826, C replaced by G.
Protein change: p.Pro2276Ala; replaces proline 2276 with alanine.
Molecular consequence: missense variant.
Genome position (GRCh38, 1-based): chr13:32,341,181, C>G. VCF-style: chr13-32341181-C-G. GRCh37 (hg19) VCF-style: chr13-32915318-C-G.
Other names: c.6826C>G, p.Pro2276Ala (NM_001406719.1, NM_001406720.1); short protein forms P2276A.
Identifiers: ClinVar variation 1755661 (VCV001755661.4), dbSNP rs80358907, ClinGen allele CA387791460.